The following is an entry in ClinVar:

ClinVar aggregate classification (germline): Uncertain significance (1 of 4 stars; one submission).

Conditions:
Cardiomyopathy (CMYO). Also called: Cardiomyopathies. Identifiers: Orphanet 167848, MedGen C0878544, MONDO:0004994, HP:0001638. Inheritance: Various modes of inheritance.

Submission:

Color Diagnostics, LLC DBA Color Health
Classification: Uncertain significance for Cardiomyopathy. Last evaluated: 2025-09-18. Review status: criteria provided, single submitter. Criteria: ACMG Guidelines, 2015. Collection method: clinical testing. Allele origin: germline.
Comment: This missense variant replaces alanine with glycine at codon 1806 of the RYR2 protein. Computational prediction suggests that this variant may not impact protein structure and function. To our knowledge, functional studies have not been reported for this variant. This variant has not been reported in individuals affected with RYR2-related disorders in the literature. This variant has not been identified in the general population by the Genome Aggregation Database (gnomAD). The available evidence is insufficient to determine the role of this variant in disease conclusively. Therefore, this variant is classified as a Variant of Uncertain Significance.

NM_001035.3(RYR2):c.5417C>G (p.Ala1806Gly)

Gene: RYR2 (ryanodine receptor 2; plus strand). Cytogenetic location: 1q43.
Variant type: single nucleotide variant.
Coding change: c.5417C>G on transcript NM_001035.3 (MANE Select); coding-DNA position 5417, C replaced by G.
Protein change: p.Ala1806Gly; replaces alanine 1806 with glycine.
Molecular consequence: missense variant.
Genome position (GRCh38, 1-based): chr1:237,614,545, C>G. VCF-style: chr1-237614545-C-G. GRCh37 (hg19) VCF-style: chr1-237777845-C-G.
Other names: short protein forms A1806G.
Identifiers: ClinVar variation 4756527 (VCV004756527.1).
Genomic context (GRCh38, chr1:237,614,545, plus strand): 5'-TCCTCAAGTCCAAAACCATACAGATGCTGACAGAAGCTGTTAAAGAGGGCAGTCTTCATG[C>G]CCGGGACCCAGTTGGAGGGACTACTGAATTCCTCTTTGTACCTCTCATCAAGCTTTTCTA-3'
Protein context (NP_001026.2, residues 1796-1816): TEAVKEGSLH[Ala1806Gly]RDPVGGTTEF